The following is an entry in ClinVar:

ClinVar aggregate classification (germline): Uncertain significance (1 of 4 stars; one submission).

Conditions:
Brugada syndrome. Also called: Sudden unexpected nocturnal death syndrome; Sudden unexplained nocturnal death syndrome; Sudden Unexplained Death Syndrome; Sudden Unexplained Nocturnal Death Syndrome (SUNDS). Identifiers: Orphanet 130, MedGen C1142166, MONDO:0015263.

Submission:

Labcorp Genetics (formerly Invitae), Labcorp
Classification: Uncertain significance for Brugada syndrome. Last evaluated: 2025-01-13. Review status: criteria provided, single submitter. Criteria: Invitae Variant Classification Sherloc (09022015). Collection method: clinical testing. Allele origin: germline.
Comment: This sequence change replaces glycine, which is neutral and non-polar, with alanine, which is neutral and non-polar, at codon 1138 of the SCN10A protein (p.Gly1138Ala). This variant is not present in population databases (gnomAD no frequency). This variant has not been reported in the literature in individuals affected with SCN10A-related conditions. Invitae Evidence Modeling of protein sequence and biophysical properties (such as structural, functional, and spatial information, amino acid conservation, physicochemical variation, residue mobility, and thermodynamic stability) indicates that this missense variant is expected to disrupt SCN10A protein function with a positive predictive value of 80%. In summary, the available evidence is currently insufficient to determine the role of this variant in disease. Therefore, it has been classified as a Variant of Uncertain Significance.

NM_006514.4(SCN10A):c.3413G>C (p.Gly1138Ala)

Genes: SCN10A (sodium voltage-gated channel alpha subunit 10; minus strand), LOC110121288 (VISTA enhancer hs2268; plus strand). Cytogenetic location: 3p22.2.
Variant type: single nucleotide variant.
Coding change: c.3413G>C on transcript NM_006514.4 (MANE Select); coding-DNA position 3413, G replaced by C.
Protein change: p.Gly1138Ala; replaces glycine 1138 with alanine.
Molecular consequence: missense variant.
Genome position (GRCh38, 1-based): chr3:38,722,352, C>G on the plus strand (G>C on the coding strand, the complement: SCN10A is on the minus strand). VCF-style: chr3-38722352-C-G. GRCh37 (hg19) VCF-style: chr3-38763843-C-G.
Other names: c.3410G>C, p.Gly1137Ala (NM_001293306.2); c.3119G>C, p.Gly1040Ala (NM_001293307.2); short protein forms G1137A, G1138A, G1040A.
Identifiers: ClinVar variation 3667289 (VCV003667289.2).
Genomic context (GRCh38, chr3:38,722,352, plus strand): 5'-ATGAAGCTCTCAAACCAGCTGTGCTCCACGATACGGTAGCAAGTCTTGCGCACCTGCCAG[C>G]CCACATCCCATGGACTCTTGGTGGTATCCAGTTTGCAGCAGGGACAGTGGCGAATGCATC-3'
Protein context (NP_006505.4, residues 1128-1148): LDTTKSPWDV[Gly1138Ala]WQVRKTCYRI